The following is an entry in ClinVar:

ClinVar aggregate classification (germline): Uncertain significance (1 of 4 stars; one submission).

Submission:

GeneDx
Classification: Uncertain significance. Last evaluated: 2020-02-13. Review status: criteria provided, single submitter. Criteria: GeneDx Variant Classification Process June 2021. Collection method: clinical testing. Allele origin: germline. Affected: yes.
Comment: Not observed in large population cohorts (Lek et al., 2016); In silico analysis supports that this missense variant has a deleterious effect on protein structure/function; in silico analysis supports a deleterious effect on splicing; Missense variants in nearby residues reported in the Human Gene Mutation Database (Stenson et al., 2014); Has not been previously published as pathogenic or benign to our knowledge

NM_000548.5(TSC2):c.1024A>T (p.Ile342Phe)

Gene: TSC2 (TSC complex subunit 2; plus strand). Cytogenetic location: 16p13.3.
Variant type: single nucleotide variant.
Coding change: c.1024A>T on transcript NM_000548.5 (MANE Select); coding-DNA position 1024, A replaced by T.
Protein change: p.Ile342Phe; replaces isoleucine 342 with phenylalanine.
Molecular consequence: missense variant.
Genome position (GRCh38, 1-based): chr16:2,060,718, A>T. VCF-style: chr16-2060718-A-T. GRCh37 (hg19) VCF-style: chr16-2110719-A-T.
Other names: c.1024A>T, p.Ile342Phe (NM_001077183.3, NM_001114382.3, NM_001363528.2 and 3 more transcripts); c.913A>T, p.Ile305Phe (NM_001318827.2); c.877A>T, p.Ile293Phe (NM_001318829.2); c.424A>T, p.Ile142Phe (NM_001318831.2); c.1057A>T, p.Ile353Phe (NM_001318832.2); short protein forms I142F, I293F, I305F, I342F, I353F.
Identifiers: ClinVar variation 1315477 (VCV001315477.2), dbSNP rs1060500913, ClinGen allele CA394317590.
Genomic context (GRCh38, chr16:2,060,718, plus strand): 5'-CTCGTGTTCCAGGCCATGGCATGTCCGAACGAGGTGGTGTCCTATGAGATCGTCCTGTCC[A>T]TCACCAGGCTCATCAAGAAGTATAGGAAGGAGCTCCAGGTGGTGGCGTGGGACATTCTGC-3'
Protein context (NP_000539.2, residues 332-352): EVVSYEIVLS[Ile342Phe]TRLIKKYRKE